The following is an entry in ClinVar:

NM_000304.4(PMP22):c.241T>C (p.Phe81Leu)

Gene: PMP22 (peripheral myelin protein 22; minus strand). Cytogenetic location: 17p12.
Variant type: single nucleotide variant.
Coding change: c.241T>C on transcript NM_000304.4 (MANE Select); coding-DNA position 241, T replaced by C.
Protein change: p.Phe81Leu; replaces phenylalanine 81 with leucine.
Molecular consequence: missense variant. On other transcripts: non-coding transcript variant (2).
Genome position (GRCh38, 1-based): chr17:15,239,549, A>G on the plus strand (T>C on the coding strand, the complement: PMP22 is on the minus strand). VCF-style: chr17-15239549-A-G. GRCh37 (hg19) VCF-style: chr17-15142866-A-G.
Other names: c.241T>C, p.Phe81Leu (NM_001281455.2, NM_001281456.2, NM_001330143.2 and 2 more transcripts); short protein forms F81L.
Identifiers: ClinVar variation 1495362 (VCV001495362.6), dbSNP rs748551014, ClinGen allele CA8403377.

ClinVar aggregate classification (germline): Uncertain significance (1 of 4 stars; one submission).

Conditions:
Charcot-Marie-Tooth disease, type I (CMT1). Also called: Charcot-Marie-Tooth disease type 1; Charcot-Marie-Tooth, Type 1. Identifiers: Orphanet 65753, MedGen C0751036, MONDO:0019011.

Allele frequency attached by ClinVar (database versions not stated): gnomAD exomes below 0.00001 and 0.00001; TOPMed below 0.00001; ExAC 0.00001; gnomAD 0.00001.

Submission:

Labcorp Genetics (formerly Invitae), Labcorp
Classification: Uncertain significance for Charcot-Marie-Tooth disease, type I. Last evaluated: 2022-07-06. Review status: criteria provided, single submitter. Criteria: Invitae Variant Classification Sherloc (09022015). Collection method: clinical testing. Allele origin: germline.
Comment: In summary, the available evidence is currently insufficient to determine the role of this variant in disease. Therefore, it has been classified as a Variant of Uncertain Significance. Advanced modeling of protein sequence and biophysical properties (such as structural, functional, and spatial information, amino acid conservation, physicochemical variation, residue mobility, and thermodynamic stability) performed at Invitae indicates that this missense variant is not expected to disrupt PMP22 protein function. ClinVar contains an entry for this variant (Variation ID: 1495362). This variant has not been reported in the literature in individuals affected with PMP22-related conditions. This variant is present in population databases (rs748551014, gnomAD 0.006%). This sequence change replaces phenylalanine, which is neutral and non-polar, with leucine, which is neutral and non-polar, at codon 81 of the PMP22 protein (p.Phe81Leu).